The following is an entry in ClinVar:

NM_005633.4(SOS1):c.1964C>T (p.Pro655Leu)

Gene: SOS1 (SOS Ras/Rac guanine nucleotide exchange factor 1; minus strand). Cytogenetic location: 2p22.1.
Variant type: single nucleotide variant.
Coding change: c.1964C>T on transcript NM_005633.4 (MANE Select); coding-DNA position 1964, C replaced by T.
Protein change: p.Pro655Leu; replaces proline 655 with leucine.
Molecular consequence: missense variant.
Genome position (GRCh38, 1-based): chr2:39,013,966, G>A on the plus strand (C>T on the coding strand, the complement: SOS1 is on the minus strand). VCF-style: chr2-39013966-G-A. GRCh37 (hg19) VCF-style: chr2-39241107-G-A.
Other names: NM_005633.3(SOS1):c.1964C>T; c.1943C>T, p.Pro648Leu (NM_001382394.1); c.1964C>T, p.Pro655Leu (NM_001382395.1); short protein forms P655L, P648L.
Identifiers: ClinVar variation 40692 (VCV000040692.77), dbSNP rs56219475, ClinGen allele CA136088.

ClinVar aggregate classification (germline): Benign. Review status: reviewed by expert panel (3 of 4 stars). 21 submissions from 21 submitters: Benign (1). 20 of the submissions do not count toward it. Last evaluated 2017-04-18.

Conditions:
Noonan syndrome and Noonan-related syndrome. Identifiers: Orphanet 98733, MedGen C5681679, MONDO:0020297.
Cardiovascular phenotype. Identifiers: MedGen CN230736.
RASopathy. Also called: rasopathies; Noonan spectrum disorder. Identifiers: Orphanet 536391, MedGen C5555857, MONDO:0021060.
Arrhythmogenic right ventricular cardiomyopathy (ARVD). Also called: Arrhythmogenic right ventricular dysplasia; Arrhythmogenic cardiomyopathy; Arrhythmogenic Right Ventricular Cardiomyopathy (ARVC); Cardiomyopathy, ARVC. Identifiers: Orphanet 247, MedGen C0349788, MeSH D019571, MONDO:0016587. Disease mechanism: loss of function. Inheritance: Various modes of inheritance.
Noonan syndrome 4 (NS4). Also called: SOS1-Related Noonan Syndrome; NOONAN SYNDROME WITH PIGMENTED VILLONODULAR SYNOVITIS. Identifiers: Orphanet 648, MedGen C1853120, MONDO:0012547, OMIM 610733.

Allele frequency attached by ClinVar (database versions not stated): 1000 Genomes Project 30x 0.00312; ESP Exome Variant Server 0.00715; TOPMed 0.00730; gnomAD exomes 0.00745 and 0.00869; gnomAD 0.00787 and 0.00712; ExAC 0.00793; 1000 Genomes Project 0.00319.
gnomAD v4.1: 13,651 of 1,604,842 alleles (0.85%); highest among the groups gnomAD compares: Non-Finnish European, 1%; 85 homozygotes.

Submissions (21):

ClinGen RASopathy Variant Curation Expert Panel
Classification: Benign for Noonan syndrome and Noonan-related syndrome. Last evaluated: 2017-04-18. Review status: reviewed by expert panel. Criteria: ClinGen RASopathy ACMG Specifications v1. Collection method: curation. Allele origin: germline. Inheritance: Autosomal dominant inheritance.
Comment: The filtering allele frequency of the c.1964C>T (p.Pro655Leu) variant in the SOS1 gene is 1.153% (803/65674) of European chromosomes by the Exome Aggregation Consortium, which is a high enough frequency to be classified as benign based on thresholds defined by the ClinGen RASopathy Expert Panel (BA1; PMID:29493581)

CeGaT Center for Human Genetics Tuebingen
Classification: Benign. Last evaluated: 2026-08-01. Review status: criteria provided, single submitter. Criteria: CeGaT Center For Human Genetics Tuebingen Variant Classification Criteria Version 2. Collection method: clinical testing. Allele origin: germline. Affected: yes. Observed: 37 variant alleles. Not counted in ClinVar's aggregate classification.
Comment: SOS1: BS1, BS2

Labcorp Genetics (formerly Invitae), Labcorp
Classification: Benign for RASopathy. Last evaluated: 2026-02-03. Review status: criteria provided, single submitter. Criteria: Invitae Variant Classification Sherloc (09022015). Collection method: clinical testing. Allele origin: germline. Not counted in ClinVar's aggregate classification.

ARUP Laboratories, Molecular Genetics and Genomics, ARUP Laboratories
Classification: Benign. Last evaluated: 2025-07-23. Review status: criteria provided, single submitter. Criteria: ARUP Molecular Germline Variant Investigation Process 2024. Collection method: clinical testing. Allele origin: germline. Not counted in ClinVar's aggregate classification.

Blueprint Genetics
Classification: Likely benign. Last evaluated: 2024-11-23. Review status: criteria provided, single submitter. Criteria: ACMG Guidelines, 2015. Collection method: clinical testing. Allele origin: germline. Not counted in ClinVar's aggregate classification.

Mayo Clinic Laboratories, Mayo Clinic
Classification: Benign. Last evaluated: 2023-12-11. Review status: criteria provided, single submitter. Criteria: ACMG Guidelines, 2015. Collection method: clinical testing. Allele origin: germline. Observed: 24 variant alleles. Not counted in ClinVar's aggregate classification.
Comment: BA1, BS2, BP4

Genome Diagnostics Laboratory, The Hospital for Sick Children
Classification: Benign for Noonan syndrome and Noonan-related syndrome. Last evaluated: 2021-04-16. Review status: criteria provided, single submitter. Criteria: ACMG Guidelines, 2015. Collection method: clinical testing. Allele origin: germline. Not counted in ClinVar's aggregate classification.

Ambry Genetics
Classification: Benign for Cardiovascular phenotype. Last evaluated: 2017-08-24. Review status: criteria provided, single submitter. Criteria: Ambry Variant Classification Scheme 2023. Collection method: clinical testing. Allele origin: germline. Not counted in ClinVar's aggregate classification.

Illumina Laboratory Services, Illumina
Classification: Likely benign for Noonan syndrome 4. Last evaluated: 2017-04-27. Review status: criteria provided, single submitter. Criteria: ICSL Variant Classification Criteria 13 December 2019. Collection method: clinical testing. Allele origin: germline. Not counted in ClinVar's aggregate classification.
Comment: This variant was observed as part of a predisposition screen in an ostensibly healthy population. A literature search was performed for the gene, cDNA change, and amino acid change (where applicable). Publications were found based on this search. The evidence from the literature, in combination with allele frequency data from public databases where available, was sufficient to determine this variant is unlikely to cause disease. Therefore, this variant is classified as likely benign.

Center for Advanced Laboratory Medicine, UC San Diego Health, University of California San Diego
Classification: Benign for Arrhythmogenic right ventricular cardiomyopathy. Last evaluated: 2017-02-02. Review status: criteria provided, single submitter. Criteria: ACMG Guidelines, 2015. Collection method: clinical testing. Allele origin: germline. Affected: yes. Observed: 1 variant allele. Not counted in ClinVar's aggregate classification.

GeneDx
Classification: Benign. Last evaluated: 2015-03-03. Review status: criteria provided, single submitter. Criteria: GeneDx Variant Classification Process June 2021. Collection method: clinical testing. Allele origin: germline. Affected: yes. Not counted in ClinVar's aggregate classification.
Comment: This variant is associated with the following publications: (PMID: 17143282, 20981092, 23487764, 17143285, 27153395, 32514133)

Eurofins Ntd Llc (ga)
Classification: Benign. Last evaluated: 2013-06-07. Review status: criteria provided, single submitter. Criteria: EGL Classification Definitions 2015. Collection method: clinical testing. Allele origin: germline. Observed: 1 variant allele, 1 heterozygote. Not counted in ClinVar's aggregate classification.

Laboratory for Molecular Medicine, Mass General Brigham Personalized Medicine
Classification: Benign. Last evaluated: 2006-10-28. Review status: criteria provided, single submitter. Criteria: LMM Criteria. Collection method: clinical testing. Allele origin: germline. Observed: 60 variant alleles. Not counted in ClinVar's aggregate classification.

Breakthrough Genomics
Classification: Benign. Review status: criteria provided, single submitter. Criteria: ACMG Guidelines, 2015. Collection method: not provided. Allele origin: germline. Inheritance: Autosomal dominant inheritance. Affected: yes. Not counted in ClinVar's aggregate classification.

PreventionGenetics, part of Exact Sciences
Classification: Benign. Review status: criteria provided, single submitter. Criteria: ACMG Guidelines, 2015. Collection method: clinical testing. Allele origin: germline. Not counted in ClinVar's aggregate classification.

Greenwood Genetic Center Diagnostic Laboratories, Greenwood Genetic Center
Classification: Benign. Last evaluated: 2015-01-15. Review status: no assertion criteria provided. Collection method: clinical testing. Allele origin: germline. Not counted in ClinVar's aggregate classification.

Baylor Genetics
Classification: Benign for Rasopathy. Review status: no assertion criteria provided. Collection method: clinical testing. Allele origin: unknown. Affected: yes. Not counted in ClinVar's aggregate classification.
Comment: Variant classified using ACMG guidelines

Clinical Genetics, Academic Medical Center
Classification: Benign. Review status: no assertion criteria provided. Collection method: clinical testing. Allele origin: germline. Affected: yes. Study: VKGL Data-share Consensus. Not counted in ClinVar's aggregate classification.

Genome Diagnostics Laboratory, Amsterdam University Medical Center
Classification: Benign. Review status: no assertion criteria provided. Collection method: clinical testing. Allele origin: germline. Affected: yes. Study: VKGL Data-share Consensus. Not counted in ClinVar's aggregate classification.

Joint Genome Diagnostic Labs from Nijmegen and Maastricht, Radboudumc and MUMC+
Classification: Benign. Review status: no assertion criteria provided. Collection method: clinical testing. Allele origin: germline. Affected: yes. Study: VKGL Data-share Consensus. Not counted in ClinVar's aggregate classification.

Laboratory of Diagnostic Genome Analysis, Leiden University Medical Center (LUMC)
Classification: Likely benign. Review status: no assertion criteria provided. Collection method: clinical testing. Allele origin: germline. Affected: yes. Study: VKGL Data-share Consensus. Not counted in ClinVar's aggregate classification.

Literature cited by the submitters: PubMed 17143282 (cited by 3 submitters); PubMed 17143285 (cited by 3 submitters); PubMed 17586837 (cited by Ambry Genetics and Illumina Laboratory Services, Illumina); PubMed 19953625 (cited by Ambry Genetics); PubMed 23487764 (cited by Ambry Genetics); PubMed 20981092 (cited by Baylor Genetics).